The following is an entry in ClinVar:

NM_001378454.1(ALMS1):c.10831C>T (p.Gln3611Ter)

Gene: ALMS1 (ALMS1 centrosome and basal body associated protein; plus strand). Cytogenetic location: 2p13.1.
Variant type: single nucleotide variant.
Coding change: c.10831C>T on transcript NM_001378454.1 (MANE Select); coding-DNA position 10831, C replaced by T.
Protein change: p.Gln3611Ter; replaces glutamine 3611 with a stop codon.
Molecular consequence: nonsense.
Genome position (GRCh38, 1-based): chr2:73,572,708, C>T. VCF-style: chr2-73572708-C-T. GRCh37 (hg19) VCF-style: chr2-73799835-C-T.
Other names: c.10834C>T, p.Gln3612Ter (NM_015120.4); short protein forms Q3611*, Q3612*.
Identifiers: ClinVar variation 1458754 (VCV001458754.6), dbSNP rs2104105305, ClinGen allele CA347285755.
Genomic context (GRCh38, chr2:73,572,708, plus strand): 5'-ACAACTCAGCACACTGTGAGTTTGAATGAACTGTGGAACAAGTATCGGGAGCGACAGAGG[C>T]AACAGAGACAGCCTGAGTTGGGTGACAGGAAAGAACTGTCCTTGGTGGACCGACTTGATC-3'

ClinVar aggregate classification (germline): Pathogenic (1 of 4 stars; one submission).

Conditions:
Alstrom syndrome (ALMS). Identifiers: Orphanet 64, MedGen C0268425, MONDO:0008763, OMIM 203800.

Submission:

Labcorp Genetics (formerly Invitae), Labcorp
Classification: Pathogenic for Alstrom syndrome. Last evaluated: 2021-06-21. Review status: criteria provided, single submitter. Criteria: Invitae Variant Classification Sherloc (09022015). Collection method: clinical testing. Allele origin: germline.
Comment: This sequence change creates a premature translational stop signal (p.Gln3612*) in the ALMS1 gene. It is expected to result in an absent or disrupted protein product. Loss-of-function variants in ALMS1 are known to be pathogenic (PMID: 17594715). This variant is not present in population databases (ExAC no frequency). This variant has not been reported in the literature in individuals with ALMS1-related conditions. For these reasons, this variant has been classified as Pathogenic.

Literature cited by the submitters: PubMed 17594715.